The following is an entry in ClinVar:

NM_001844.5(COL2A1):c.2429G>C (p.Gly810Ala)

Gene: COL2A1 (collagen type II alpha 1 chain; minus strand). Cytogenetic location: 12q13.11.
Variant type: single nucleotide variant.
Coding change: c.2429G>C on transcript NM_001844.5 (MANE Select); coding-DNA position 2429, G replaced by C.
Protein change: p.Gly810Ala; replaces glycine 810 with alanine.
Molecular consequence: missense variant.
Genome position (GRCh38, 1-based): chr12:47,981,377, C>G on the plus strand (G>C on the coding strand, the complement: COL2A1 is on the minus strand). VCF-style: chr12-47981377-C-G. GRCh37 (hg19) VCF-style: chr12-48375160-C-G.
Other names: c.2222G>C, p.Gly741Ala (NM_033150.3); short protein forms G810A, G741A.
Identifiers: ClinVar variation 2851048 (VCV002851048.3), dbSNP rs2540127265, ClinGen allele CA384545253.

ClinVar aggregate classification (germline): Likely pathogenic (1 of 4 stars; one submission).

Submission:

Labcorp Genetics (formerly Invitae), Labcorp
Classification: Likely pathogenic. Last evaluated: 2023-08-02. Review status: criteria provided, single submitter. Criteria: Invitae Variant Classification Sherloc (09022015). Collection method: clinical testing. Allele origin: germline.
Comment: Advanced modeling of protein sequence and biophysical properties (such as structural, functional, and spatial information, amino acid conservation, physicochemical variation, residue mobility, and thermodynamic stability) performed at Invitae indicates that this missense variant is expected to disrupt COL2A1 protein function. This variant disrupts the triple helix domain of COL2A1. Glycine residues within the Gly-Xaa-Yaa repeats of the triple helix domain are required for the structure and stability of fibrillar collagens (PMID: 7695699, 8218237, 19344236). In COL2A1, variants affecting these glycine residues are significantly enriched in individuals with disease (PMID: 9016532, 17078022) compared to the general population (ExAC). In summary, the currently available evidence indicates that the variant is pathogenic, but additional data are needed to prove that conclusively. Therefore, this variant has been classified as Likely Pathogenic. This sequence change replaces glycine, which is neutral and non-polar, with alanine, which is neutral and non-polar, at codon 810 of the COL2A1 protein (p.Gly810Ala). This variant is not present in population databases (gnomAD no frequency). This variant has not been reported in the literature in individuals affected with COL2A1-related conditions.

Literature cited by the submitters: PubMed 7695699; PubMed 8218237; PubMed 19344236; PubMed 9016532; PubMed 17078022.